The following is an entry in ClinVar:

ClinVar aggregate classification (germline): Uncertain significance. Review status: criteria provided, multiple submitters, no conflicts (2 of 4 stars). 3 submissions from 3 submitters: Uncertain significance (2). 1 of the submissions does not count toward it. Last evaluated 2022-07-13.

Conditions:
TECTA-related disorder. Also called: TECTA-related condition.
Inborn genetic diseases. Identifiers: MedGen C0950123, MeSH D030342.

Allele frequency attached by ClinVar (database versions not stated): ESP Exome Variant Server 0.00008.
gnomAD v4.1: 16 of 1,614,046 alleles (0.00099%); highest among the groups gnomAD compares: South Asian, 0.0055%; no homozygotes.

Submissions (3):

Ambry Genetics
Classification: Uncertain significance for Inborn genetic diseases. Last evaluated: 2022-07-13. Review status: criteria provided, single submitter. Criteria: Ambry Variant Classification Scheme 2023. Collection method: clinical testing. Allele origin: germline.

Labcorp Genetics (formerly Invitae), Labcorp
Classification: Uncertain significance. Last evaluated: 2021-08-07. Review status: criteria provided, single submitter. Criteria: Invitae Variant Classification Sherloc (09022015). Collection method: clinical testing. Allele origin: germline.
Comment: This sequence change replaces alanine with threonine at codon 856 of the TECTA protein (p.Ala856Thr). The alanine residue is highly conserved and there is a small physicochemical difference between alanine and threonine. This variant is present in population databases (rs145413004, ExAC 0.01%). This variant has not been reported in the literature in individuals affected with TECTA-related conditions. Algorithms developed to predict the effect of missense changes on protein structure and function (SIFT, PolyPhen-2, Align-GVGD) all suggest that this variant is likely to be tolerated. In summary, the available evidence is currently insufficient to determine the role of this variant in disease. Therefore, it has been classified as a Variant of Uncertain Significance.

PreventionGenetics, part of Exact Sciences
Classification: Uncertain significance for TECTA-related condition. Last evaluated: 2024-06-18. Review status: no assertion criteria provided. Collection method: clinical testing. Allele origin: germline. Not counted in ClinVar's aggregate classification.
Comment: The TECTA c.2566G>A variant is predicted to result in the amino acid substitution p.Ala856Thr. To our knowledge, this variant has not been reported in the literature. This variant is reported in 0.0065% of alleles in individuals of South Asian descent in gnomAD. At this time, the clinical significance of this variant is uncertain due to the absence of conclusive functional and genetic evidence.

NM_005422.4(TECTA):c.2566G>A (p.Ala856Thr)

Genes: TBCEL-TECTA (TBCEL-TECTA readthrough; plus strand), TECTA (tectorin alpha; plus strand), LOC126861365 (P300/CBP strongly-dependent group 1 enhancer GRCh37_chr11:121000154-121001353; plus strand). Cytogenetic location: 11q23.3.
Variant type: single nucleotide variant.
Coding change: c.2566G>A on transcript NM_005422.4 (MANE Select); coding-DNA position 2566, G replaced by A.
Protein change: p.Ala856Thr; replaces alanine 856 with threonine.
Molecular consequence: missense variant.
Genome position (GRCh38, 1-based): chr11:121,129,836, G>A. VCF-style: chr11-121129836-G-A. GRCh37 (hg19) VCF-style: chr11-121000545-G-A.
Other names: c.3523G>A, p.Ala1175Thr (NM_001378761.1); short protein forms A1175T, A856T.
Identifiers: ClinVar variation 1422009 (VCV001422009.8), dbSNP rs145413004, ClinGen allele CA6327019.